The following is an entry in ClinVar:

NM_015692.5(CPAMD8):c.1266+7G>A

Gene: CPAMD8 (C3 and PZP like alpha-2-macroglobulin domain containing 8; minus strand). Cytogenetic location: 19p13.11.
Variant type: single nucleotide variant.
Coding change: c.1266+7G>A on transcript NM_015692.5 (MANE Select); 7 bases into the intron after coding-DNA position 1266, G replaced by A.
Molecular consequence: intron variant.
Genome position (GRCh38, 1-based): chr19:16,993,409, C>T on the plus strand (G>A on the coding strand, the complement: CPAMD8 is on the minus strand). VCF-style: chr19-16993409-C-T. GRCh37 (hg19) VCF-style: chr19-17104219-C-T.
Identifiers: ClinVar variation 2786218 (VCV002786218.3), dbSNP rs1225292285, ClinGen allele CA632132652.
Genomic context (GRCh38, chr19:16,993,409, plus strand): 5'-CAGCCTGGGGGAGGCCCCAAGTCCATACCTGCTGGCTGAATAACAAGGGTCCACGGGACT[C>T]ACCCACCTCCAGCCACACGTGCTGGGCTGACGTGGGGATGGAGGGGATTTCAAACCCCAC-3'

ClinVar aggregate classification (germline): Uncertain significance (1 of 4 stars; one submission).

Allele frequency attached by ClinVar (database versions not stated): gnomAD exomes below 0.00001; TOPMed below 0.00001.
gnomAD v4.1: 2 of 1,610,564 alleles (0.00012%); highest among the groups gnomAD compares: Admixed American, 0.0017%; no homozygotes.

Submission:

Labcorp Genetics (formerly Invitae), Labcorp
Classification: Uncertain significance. Last evaluated: 2023-10-30. Review status: criteria provided, single submitter. Criteria: Invitae Variant Classification Sherloc (09022015). Collection method: clinical testing. Allele origin: germline.
Comment: This sequence change falls in intron 12 of the CPAMD8 gene. It does not directly change the encoded amino acid sequence of the CPAMD8 protein. This variant is present in population databases (no rsID available, gnomAD 0.003%). This variant has not been reported in the literature in individuals affected with CPAMD8-related conditions. Algorithms developed to predict the effect of sequence changes on RNA splicing suggest that this variant may create or strengthen a splice site. In summary, the available evidence is currently insufficient to determine the role of this variant in disease. Therefore, it has been classified as a Variant of Uncertain Significance.